The following is an entry in ClinVar:

NM_016203.4(PRKAG2):c.879C>A (p.Phe293Leu)

Gene: PRKAG2 (protein kinase AMP-activated non-catalytic subunit gamma 2; minus strand). Cytogenetic location: 7q36.1.
Variant type: single nucleotide variant.
Coding change: c.879C>A on transcript NM_016203.4 (MANE Select); coding-DNA position 879, C replaced by A.
Protein change: p.Phe293Leu; replaces phenylalanine 293 with leucine.
Molecular consequence: missense variant.
Genome position (GRCh38, 1-based): chr7:151,576,438, G>T on the plus strand (C>A on the coding strand, the complement: PRKAG2 is on the minus strand). VCF-style: chr7-151576438-G-T. GRCh37 (hg19) VCF-style: chr7-151273524-G-T.
Other names: c.747C>A, p.Phe249Leu (NM_001040633.2); c.504C>A, p.Phe168Leu (NM_001304527.2); c.156C>A, p.Phe52Leu (NM_001304531.2, NM_024429.2); c.507C>A, p.Phe169Leu (NM_001363698.2); short protein forms F293L, F168L, F169L, F249L, F52L.
Identifiers: ClinVar variation 36698 (VCV000036698.13), dbSNP rs193922697, ClinGen allele CA014610.
Genomic context (GRCh38, chr7:151,576,438, plus strand): 5'-ACTTTGTTTTTTACTCTCCCACAGTGGCGCTGCTCGGACACCGTTGGCTACCAAAGCAAA[G>T]AAGGCCTTTTTAACCTGAAGAAAAAGAGGAGAAACAAAACATACTTTCAAAGTCCAGGAA-3'
Protein context (NP_057287.2, residues 283-303): FDTTLQVKKA[Phe293Leu]FALVANGVRA

ClinVar aggregate classification (germline): Pathogenic/Likely pathogenic. Review status: criteria provided, multiple submitters, no conflicts (2 of 4 stars). 3 submissions from 3 submitters: Pathogenic (1); Likely pathogenic (2). Last evaluated 2020-01-15.

Conditions:
Cardiomyopathy (CMYO). Also called: Cardiomyopathies. Identifiers: Orphanet 167848, MedGen C0878544, MONDO:0004994, HP:0001638. Inheritance: Various modes of inheritance.
Lethal congenital glycogen storage disease of heart. Also called: GLYCOGEN STORAGE DISEASE OF HEART; PHOSPHORYLASE KINASE DEFICIENCY OF HEART. Identifiers: Orphanet 439854, MedGen C1849813, MONDO:0009867, OMIM 261740.
Hypertrophic cardiomyopathy. Also called: HYPERTROPHIC MYOCARDIOPATHY. Identifiers: Orphanet 217569, MedGen C0007194, MeSH D002312, MONDO:0005045, HP:0001639.

Submissions (3):

Labcorp Genetics (formerly Invitae), Labcorp
Classification: Likely pathogenic for Lethal congenital glycogen storage disease of heart. Last evaluated: 2020-01-15. Review status: criteria provided, single submitter. Criteria: Invitae Variant Classification Sherloc (09022015). Collection method: clinical testing. Allele origin: germline.
Comment: In summary, the currently available evidence indicates that the variant is pathogenic, but additional data are needed to prove that conclusively. Therefore, this variant has been classified as Likely Pathogenic. Algorithms developed to predict the effect of missense changes on protein structure and function are either unavailable or do not agree on the potential impact of this missense change (SIFT: "Tolerated"; PolyPhen-2: "Possibly Damaging"; Align-GVGD: "Class C0"). This variant has been observed in individual(s) with clinical features of arrhythmogenic cardiomyopathy (Invitae). In at least one individual the variant was observed to be de novo. ClinVar contains an entry for this variant (Variation ID: 36698). This variant is not present in population databases (ExAC no frequency). This sequence change replaces phenylalanine with leucine at codon 293 of the PRKAG2 protein (p.Phe293Leu). The phenylalanine residue is highly conserved and there is a small physicochemical difference between phenylalanine and leucine.

Center for Human Genetics, University of Leuven
Classification: Pathogenic for Hypertrophic cardiomyopathy. Last evaluated: 2018-10-31. Review status: criteria provided, single submitter. Criteria: ACMG Guidelines, 2015. Collection method: clinical testing. Allele origin: germline. Affected: yes.

Women's Health and Genetics/Laboratory Corporation of America, LabCorp
Classification: Likely pathogenic for Cardiomyopathy. Last evaluated: 2011-08-18. Review status: criteria provided, single submitter. Criteria: LabCorp Variant Classification Summary - May 2015. Collection method: curation. Allele origin: germline. Inheritance: autosomal unknown. Affected: yes.
ClinVar note: Converted during submission from likely pathogenic to Likely pathogenic.